The following is an entry in ClinVar:

NM_000540.3(RYR1):c.8951G>A (p.Gly2984Glu)

Gene: RYR1 (ryanodine receptor 1; plus strand). Cytogenetic location: 19q13.2.
Variant type: single nucleotide variant.
Coding change: c.8951G>A on transcript NM_000540.3 (MANE Select); coding-DNA position 8951, G replaced by A.
Protein change: p.Gly2984Glu; replaces glycine 2984 with glutamic acid.
Molecular consequence: missense variant.
Genome position (GRCh38, 1-based): chr19:38,510,516, G>A. VCF-style: chr19-38510516-G-A. GRCh37 (hg19) VCF-style: chr19-39001156-G-A.
Other names: c.8951G>A, p.Gly2984Glu (NM_001042723.2); short protein forms G2984E.
Identifiers: ClinVar variation 572239 (VCV000572239.10), dbSNP rs781308894, ClinGen allele CA072979.

ClinVar aggregate classification (germline): Uncertain significance (1 of 4 stars; one submission).

Conditions:
RYR1-related disorder. Also called: RYR1-related disorders; RYR1-related condition. Identifiers: MedGen CN239331.

Allele frequency attached by ClinVar (database versions not stated): ExAC 0.00001; gnomAD exomes below 0.00001.
gnomAD v4.1: 1 of 1,614,140 alleles (0.000062%); highest among the groups gnomAD compares: East Asian, 0.0022%; no homozygotes.

Submission:

Labcorp Genetics (formerly Invitae), Labcorp
Classification: Uncertain significance for RYR1-related disorder. Last evaluated: 2022-02-03. Review status: criteria provided, single submitter. Criteria: Invitae Variant Classification Sherloc (09022015). Collection method: clinical testing. Allele origin: germline.
Comment: In summary, the available evidence is currently insufficient to determine the role of this variant in disease. Therefore, it has been classified as a Variant of Uncertain Significance. Advanced modeling of protein sequence and biophysical properties (such as structural, functional, and spatial information, amino acid conservation, physicochemical variation, residue mobility, and thermodynamic stability) performed at Invitae indicates that this missense variant is not expected to disrupt RYR1 protein function. ClinVar contains an entry for this variant (Variation ID: 572239). This variant has not been reported in the literature in individuals affected with RYR1-related conditions. This variant is not present in population databases (gnomAD no frequency). This sequence change replaces glycine, which is neutral and non-polar, with glutamic acid, which is acidic and polar, at codon 2984 of the RYR1 protein (p.Gly2984Glu).